The following is an entry in ClinVar:

ClinVar aggregate classification (germline): Uncertain significance (1 of 4 stars; one submission).

Submission:

GeneDx
Classification: Uncertain significance. Last evaluated: 2023-08-07. Review status: criteria provided, single submitter. Criteria: GeneDx Variant Classification Process June 2021. Collection method: clinical testing. Allele origin: germline. Affected: yes.
Comment: Not observed at significant frequency in large population cohorts (gnomAD); In silico analysis supports that this missense variant has a deleterious effect on protein structure/function; In silico analysis supports a deleterious effect on splicing; Has not been previously published as pathogenic or benign to our knowledge; This variant is associated with the following publications: (PMID: 34128135)

NM_001099274.3(TINF2):c.399G>C (p.Gln133His)

Gene: TINF2 (TERF1 interacting nuclear factor 2; minus strand). Cytogenetic location: 14q12.
Variant type: single nucleotide variant.
Coding change: c.399G>C on transcript NM_001099274.3 (MANE Select); coding-DNA position 399, G replaced by C.
Protein change: p.Gln133His; replaces glutamine 133 with histidine.
Molecular consequence: missense variant.
Genome position (GRCh38, 1-based): chr14:24,241,675, C>G on the plus strand (G>C on the coding strand, the complement: TINF2 is on the minus strand). VCF-style: chr14-24241675-C-G. GRCh37 (hg19) VCF-style: chr14-24710881-C-G.
Other names: c.294G>C, p.Gln98His (NM_001363668.2); c.399G>C, p.Gln133His (NM_012461.3); short protein forms Q133H, Q98H.
Identifiers: ClinVar variation 3361919 (VCV003361919.1).
Genomic context (GRCh38, chr14:24,241,675, plus strand): 5'-AAAAAAAAAAAAAATGGGTTAGAGAAAATAGCCACATAATAGCCTTCAAACCAGTCTCAC[C>G]TGCAGCTTCGAGGCCAAATCCACAGGAGCCTCTGACAGCTGCTTCACCTGCTGGTAAAAA-3'
Protein context (NP_001092744.1, residues 123-143): EAPVDLASKL[Gln133His]ELEQEYGEPF